The following is an entry in ClinVar:

NM_001203.3(BMPR1B):c.1097T>C (p.Ile366Thr)

Gene: BMPR1B (bone morphogenetic protein receptor type 1B; plus strand). Cytogenetic location: 4q22.3.
Variant type: single nucleotide variant.
Coding change: c.1097T>C on transcript NM_001203.3 (MANE Select); coding-DNA position 1097, T replaced by C.
Protein change: p.Ile366Thr; replaces isoleucine 366 with threonine.
Molecular consequence: missense variant.
Genome position (GRCh38, 1-based): chr4:95,148,768, T>C. VCF-style: chr4-95148768-T-C. GRCh37 (hg19) VCF-style: chr4-96069919-T-C.
Other names: c.1097T>C (NM_001203.2); c.1097T>C, p.Ile366Thr (NM_001256792.2, NM_001256794.1); c.1187T>C, p.Ile396Thr (NM_001256793.2); short protein forms I366T, I396T.
Identifiers: ClinVar variation 2928147 (VCV002928147.4), dbSNP rs1025931662, ClinGen allele CA101678221.

ClinVar aggregate classification (germline): Uncertain significance. Review status: criteria provided, multiple submitters, no conflicts (2 of 4 stars). 2 submissions from 2 submitters: Uncertain significance (2). Last evaluated 2025-11-02.

Conditions:
Inborn genetic diseases. Identifiers: MedGen C0950123, MeSH D030342.
Type A2 brachydactyly (BDA2). Also called: MOHR-WRIEDT TYPE BRACHYDACTYLY; Brachymesophalangy type 2; BRACHYMESOPHALANGY II. Identifiers: Orphanet 93396, MedGen C1832702, MONDO:0007216, OMIM 112600, HP:0009372.
Acromesomelic dysplasia 3 (AMD3). Also called: CHONDRODYSPLASIA, ACROMESOMELIC, WITH OR WITHOUT GENITAL ANOMALIES; Acromesomelic dysplasia, Demirhan type. Identifiers: MedGen C4225404, MONDO:0012274, OMIM 609441.

gnomAD v4.1: 8 of 1,613,914 alleles (0.0005%); highest among the groups gnomAD compares: South Asian, 0.0011%; no homozygotes.

Submissions (2):

Ambry Genetics
Classification: Uncertain significance for Inborn genetic diseases. Last evaluated: 2025-11-02. Review status: criteria provided, single submitter. Criteria: Ambry Variant Classification Scheme 2023. Collection method: clinical testing. Allele origin: germline.

Labcorp Genetics (formerly Invitae), Labcorp
Classification: Uncertain significance for Type A2 brachydactyly; Acromesomelic dysplasia 3. Last evaluated: 2023-09-29. Review status: criteria provided, single submitter. Criteria: Invitae Variant Classification Sherloc (09022015). Collection method: clinical testing. Allele origin: germline.
Comment: In summary, the available evidence is currently insufficient to determine the role of this variant in disease. Therefore, it has been classified as a Variant of Uncertain Significance. Advanced modeling of protein sequence and biophysical properties (such as structural, functional, and spatial information, amino acid conservation, physicochemical variation, residue mobility, and thermodynamic stability) performed at Invitae indicates that this missense variant is not expected to disrupt BMPR1B protein function. This variant has not been reported in the literature in individuals affected with BMPR1B-related conditions. This variant is present in population databases (no rsID available, gnomAD 0.0009%). This sequence change replaces isoleucine, which is neutral and non-polar, with threonine, which is neutral and polar, at codon 366 of the BMPR1B protein (p.Ile366Thr).